The following is an entry in ClinVar:

ClinVar aggregate classification (germline): Likely pathogenic (1 of 4 stars; one submission).

Conditions:
Hereditary insensitivity to pain with anhidrosis (CIPA). Also called: INSENSITIVITY TO PAIN, CONGENITAL, WITH ANHIDROSIS; NTRK1 Congenital Insensitivity to Pain with Anhidrosis; HSAN Type IV; FAMILIAL DYSAUTONOMIA, TYPE II; NEUROPATHY, CONGENITAL SENSORY, WITH ANHIDROSIS; hereditary sensory and autonomic neuropathy type 4. Identifiers: Orphanet 642, MedGen C0020074, MONDO:0009746, OMIM 256800.

Allele frequency attached by ClinVar (database versions not stated): gnomAD exomes below 0.00001; gnomAD 0.00001.
gnomAD v4.1: 2 of 1,608,420 alleles (0.00012%); no homozygotes.

Submission:

Neuberg Centre For Genomic Medicine, NCGM
Classification: Likely pathogenic for Hereditary insensitivity to pain with anhidrosis. Review status: criteria provided, single submitter. Criteria: ACMG Guidelines, 2015. Collection method: clinical testing. Allele origin: germline. Inheritance: Autosomal recessive inheritance. Affected: yes.
Comment: This invariant splice site c.574+2T>C variant has not been reported previously as a pathogenic variant nor as a benign variant, to our knowledge. This variant has allele frequency of 0.0032% in the gnomAD and novel (not in any individuals) in 1000 genome database. Loss of function variants have been previously reported to be disease causing. For these reasons, this variant has been classified as Likely Pathogenic.

NM_002529.4(NTRK1):c.574+2T>C

Gene: NTRK1 (neurotrophic receptor tyrosine kinase 1; plus strand). Cytogenetic location: 1q23.1.
Variant type: single nucleotide variant.
Coding change: c.574+2T>C on transcript NM_002529.4 (MANE Select); the canonical splice donor site of the intron after coding-DNA position 574, T replaced by C.
Molecular consequence: splice donor variant.
Genome position (GRCh38, 1-based): chr1:156,868,251, T>C. VCF-style: chr1-156868251-T-C. GRCh37 (hg19) VCF-style: chr1-156838043-T-C.
Other names: c.484+2T>C (NM_001007792.1); c.574+2T>C (NM_001012331.2).
Identifiers: ClinVar variation 2584987 (VCV002584987.1), dbSNP rs1231568960, ClinGen allele CA342934097.